The following is an entry in ClinVar:

ClinVar aggregate classification (germline): Uncertain significance (1 of 4 stars; one submission).

Conditions:
Fibrous dysplasia of jaw (CRBM). Also called: Cherubism. Identifiers: Orphanet 184, MedGen C0008029, MONDO:0007315, OMIM 118400.

Submission:

Labcorp Genetics (formerly Invitae), Labcorp
Classification: Uncertain significance for Fibrous dysplasia of jaw. Last evaluated: 2025-09-08. Review status: criteria provided, single submitter. Criteria: Invitae Variant Classification Sherloc (09022015). Collection method: clinical testing. Allele origin: germline.
Comment: This sequence change creates a premature translational stop signal (p.Pro159Leufs*40) in the SH3BP2 gene. It is expected to result in an absent or disrupted protein product. However, the current clinical and genetic evidence is not sufficient to establish whether loss-of-function variants in SH3BP2 cause disease. This variant is not present in population databases (gnomAD no frequency). This variant has not been reported in the literature in individuals affected with SH3BP2-related conditions. ClinVar contains an entry for this variant (Variation ID: 1059078). In summary, the available evidence is currently insufficient to determine the role of this variant in disease. Therefore, it has been classified as a Variant of Uncertain Significance.

NM_001122681.2(SH3BP2):c.476del (p.Pro159fs)

Gene: SH3BP2 (SH3 domain binding protein 2; plus strand). Cytogenetic location: 4p16.3.
Variant type: Deletion.
Coding change: c.476del on transcript NM_001122681.2 (MANE Select); coding-DNA position 476, one base deleted (C; older notation c.476delC).
Protein change: p.Pro159fs; shifts the reading frame from proline 159.
Molecular consequence: frameshift variant.
Genome position (GRCh38, 1-based): chr4:2,827,277, C deleted; the last of 2 consecutive C bases (chr4:2,827,276-2,827,277); deleting either gives the same sequence. VCF-style (leftmost placement, unchanged base first): chr4-2827275-GC-G. GRCh37 (hg19) VCF-style: chr4-2829002-GC-G.
Other names: c.560del, p.Pro187fs (NM_001145855.2); c.647del, p.Pro216fs (NM_001145856.2); c.476del, p.Pro159fs (NM_003023.4); short protein forms P159fs, P187fs, P216fs.
Identifiers: ClinVar variation 1059078 (VCV001059078.7), dbSNP rs2108735375, ClinGen allele CA2499217187.